The following is an entry in ClinVar:

ClinVar aggregate classification (germline): Uncertain significance (1 of 4 stars; one submission).

Conditions:
Hereditary cancer-predisposing syndrome. Also called: Tumor predisposition; Hereditary neoplastic syndrome; Hereditary Cancer Syndrome; Neoplastic Syndromes, Hereditary. Identifiers: Orphanet 140162, MedGen C0027672, MeSH D009386, MONDO:0015356.

Submission:

Ambry Genetics
Classification: Uncertain significance for Hereditary cancer-predisposing syndrome. Last evaluated: 2024-02-02. Review status: criteria provided, single submitter. Criteria: Ambry Variant Classification Scheme 2023. Collection method: clinical testing. Allele origin: germline.
Comment: The p.S463G variant (also known as c.1387A>G), located in coding exon 10 of the BMPR1A gene, results from an A to G substitution at nucleotide position 1387. The serine at codon 463 is replaced by glycine, an amino acid with similar properties. This amino acid position is conserved. In addition, this alteration is predicted to be tolerated by in silico analysis. Based on the available evidence, the clinical significance of this alteration remains unclear.

NM_004329.3(BMPR1A):c.1387A>G (p.Ser463Gly)

Gene: BMPR1A (bone morphogenetic protein receptor type 1A; plus strand). Cytogenetic location: 10q23.2.
Variant type: single nucleotide variant.
Coding change: c.1387A>G on transcript NM_004329.3 (MANE Select); coding-DNA position 1387, A replaced by G.
Protein change: p.Ser463Gly; replaces serine 463 with glycine.
Molecular consequence: missense variant. On other transcripts: non-coding transcript variant (3).
Genome position (GRCh38, 1-based): chr10:86,923,420, A>G. VCF-style: chr10-86923420-A-G. GRCh37 (hg19) VCF-style: chr10-88683177-A-G.
Other names: c.1462A>G, p.Ser488Gly (NM_001406559.1); c.1435A>G, p.Ser479Gly (NM_001406560.1); c.1387A>G, p.Ser463Gly (NM_001406561.1, NM_001406562.1, NM_001406563.1 and 19 more transcripts); c.1381A>G, p.Ser461Gly (NM_001406583.1); c.1303A>G, p.Ser435Gly (NM_001406584.1, NM_001406585.1, NM_001406586.1 and 2 more transcripts); c.1045A>G, p.Ser349Gly (NM_001406589.1); short protein forms S349G, S435G, S461G, S463G, S479G, S488G.
Identifiers: ClinVar variation 3223946 (VCV003223946.1), dbSNP rs2539648546, ClinGen allele CA377462829.